The following is an entry in ClinVar:

ClinVar aggregate classification (germline): Benign/Likely benign. Review status: criteria provided, multiple submitters, no conflicts (2 of 4 stars). 4 submissions from 4 submitters: Benign (2); Likely benign (1). 1 of the submissions does not count toward it. Last evaluated 2026-07-01.

Conditions:
MBTPS1-related disorder. Also called: MBTPS1-related condition.

Allele frequency attached by ClinVar (database versions not stated): 1000 Genomes Project 30x 0.00094; 1000 Genomes Project 0.00120; TOPMed 0.00407; ExAC 0.00599; ESP Exome Variant Server 0.00623; gnomAD 0.00739.
gnomAD v4.1: 12,296 of 1,612,704 alleles (0.76%); highest among the groups gnomAD compares: Non-Finnish European, 0.87%; 67 homozygotes.

Submissions (4):

CeGaT Center for Human Genetics Tuebingen
Classification: Likely benign. Last evaluated: 2026-07-01. Review status: criteria provided, single submitter. Criteria: CeGaT Center For Human Genetics Tuebingen Variant Classification Criteria Version 2. Collection method: clinical testing. Allele origin: germline. Affected: yes. Observed: 4 variant alleles.
Comment: MBTPS1: BS2

Labcorp Genetics (formerly Invitae), Labcorp
Classification: Benign. Last evaluated: 2026-01-27. Review status: criteria provided, single submitter. Criteria: Invitae Variant Classification Sherloc (09022015). Collection method: clinical testing. Allele origin: germline.

Breakthrough Genomics
Classification: Benign. Review status: criteria provided, single submitter. Criteria: ACMG Guidelines, 2015. Collection method: not provided. Allele origin: germline. Inheritance: Autosomal recessive inheritance. Affected: yes.

PreventionGenetics, part of Exact Sciences
Classification: Benign for MBTPS1-related condition. Last evaluated: 2019-06-06. Review status: no assertion criteria provided. Collection method: clinical testing. Allele origin: germline. Not counted in ClinVar's aggregate classification.
Comment: This variant is classified as benign based on ACMG/AMP sequence variant interpretation guidelines (Richards et al. 2015 PMID: 25741868, with internal and published modifications).

NM_003791.4(MBTPS1):c.2950G>A (p.Asp984Asn)

Gene: MBTPS1 (membrane bound transcription factor peptidase, site 1; minus strand). Cytogenetic location: 16q23.3.
Variant type: single nucleotide variant.
Coding change: c.2950G>A on transcript NM_003791.4 (MANE Select); coding-DNA position 2950, G replaced by A.
Protein change: p.Asp984Asn; replaces aspartic acid 984 with asparagine.
Molecular consequence: missense variant.
Genome position (GRCh38, 1-based): chr16:84,056,017, C>T on the plus strand (G>A on the coding strand, the complement: MBTPS1 is on the minus strand). VCF-style: chr16-84056017-C-T. GRCh37 (hg19) VCF-style: chr16-84089622-C-T.
Other names: short protein forms D984N.
Identifiers: ClinVar variation 715864 (VCV000715864.27), dbSNP rs146299475, ClinGen allele CA8200679.